The following is an entry in ClinVar:

ClinVar aggregate classification (germline): Uncertain significance. Review status: criteria provided, multiple submitters, no conflicts (2 of 4 stars). 2 submissions from 2 submitters: Uncertain significance (2). Last evaluated 2025-06-24.

Conditions:
Inborn genetic diseases. Identifiers: MedGen C0950123, MeSH D030342.

Allele frequency attached by ClinVar (database versions not stated): ESP Exome Variant Server 0.00008; gnomAD 0.00004.
gnomAD v4.1: 13 of 1,611,580 alleles (0.00081%); highest among the groups gnomAD compares: Admixed American, 0.015%; no homozygotes.

Submissions (2):

Labcorp Genetics (formerly Invitae), Labcorp
Classification: Uncertain significance. Last evaluated: 2025-06-24. Review status: criteria provided, single submitter. Criteria: Invitae Variant Classification Sherloc (09022015). Collection method: clinical testing. Allele origin: germline.
Comment: This sequence change replaces asparagine, which is neutral and polar, with aspartic acid, which is acidic and polar, at codon 611 of the PPP1R12A protein (p.Asn611Asp). This variant is present in population databases (rs368465129, gnomAD 0.01%). This variant has not been reported in the literature in individuals affected with PPP1R12A-related conditions. ClinVar contains an entry for this variant (Variation ID: 2477072). An algorithm developed to predict the effect of missense changes on protein structure and function (PolyPhen-2) suggests that this variant is likely to be tolerated. In summary, the available evidence is currently insufficient to determine the role of this variant in disease. Therefore, it has been classified as a Variant of Uncertain Significance.

Ambry Genetics
Classification: Uncertain significance for Inborn genetic diseases. Last evaluated: 2023-01-23. Review status: criteria provided, single submitter. Criteria: Ambry Variant Classification Scheme 2023. Collection method: clinical testing. Allele origin: germline.

NM_002480.3(PPP1R12A):c.1831A>G (p.Asn611Asp)

Gene: PPP1R12A (protein phosphatase 1 regulatory subunit 12A; minus strand). Cytogenetic location: 12q21.2.
Variant type: single nucleotide variant.
Coding change: c.1831A>G on transcript NM_002480.3 (MANE Select); coding-DNA position 1831, A replaced by G.
Protein change: p.Asn611Asp; replaces asparagine 611 with aspartic acid.
Molecular consequence: missense variant.
Genome position (GRCh38, 1-based): chr12:79,805,761, T>C on the plus strand (A>G on the coding strand, the complement: PPP1R12A is on the minus strand). VCF-style: chr12-79805761-T-C. GRCh37 (hg19) VCF-style: chr12-80199541-T-C.
Other names: c.1831A>G, p.Asn611Asp (NM_001143885.2, NM_001244990.2); c.1570A>G, p.Asn524Asp (NM_001143886.2); c.1663A>G, p.Asn555Asp (NM_001244992.1); short protein forms N524D, N555D, N611D.
Identifiers: ClinVar variation 2477072 (VCV002477072.3), dbSNP rs368465129, ClinGen allele CA6699584.